The following is an entry in ClinVar:

NM_001080414.4(CCDC88C):c.1910T>G (p.Leu637Arg)

Gene: CCDC88C (coiled-coil and HOOK domain protein 88C; minus strand). Cytogenetic location: 14q32.11.
Variant type: single nucleotide variant.
Coding change: c.1910T>G on transcript NM_001080414.4 (MANE Select); coding-DNA position 1910, T replaced by G.
Protein change: p.Leu637Arg; replaces leucine 637 with arginine.
Molecular consequence: missense variant. On other transcripts: non-coding transcript variant (2).
Genome position (GRCh38, 1-based): chr14:91,313,906, A>C on the plus strand (T>G on the coding strand, the complement: CCDC88C is on the minus strand). VCF-style: chr14-91313906-A-C. GRCh37 (hg19) VCF-style: chr14-91780250-A-C.
Other names: short protein forms L637R.
Identifiers: ClinVar variation 5002233 (VCV005002233.1).
Genomic context (GRCh38, chr14:91,313,906, plus strand): 5'-GCTGTCTCCAGGGAGGTCACCTTCCTGGCCAGCCTCCCGTTCTCCTCCTGGAGTCGCTGT[A>C]GCTCCCTCTCCAGCTTCTCTGCCCGCTCCCCCTTCTCCTTGGCCTGCTCCAAGTCCCTGT-3'
Protein context (NP_001073883.2, residues 627-647): GERAEKLERE[Leu637Arg]QRLQEENGRL

ClinVar aggregate classification (germline): Uncertain significance (1 of 4 stars; one submission).

Conditions:
CCDC88C-related disorder. Also called: CCDC88C-related condition; CCDC88C-Related Disorders.

gnomAD v4.1: 2 of 1,610,424 alleles (0.00012%); highest among the groups gnomAD compares: Non-Finnish European, 0.00017%; no homozygotes.

Submission:

PreventionGenetics, part of Exact Sciences
Classification: Uncertain significance for CCDC88C-related condition. Last evaluated: 2024-11-20. Review status: criteria provided, single submitter. Criteria: ACMG Guidelines, 2015. Collection method: clinical testing. Allele origin: germline.
Comment: The CCDC88C c.1910T>G variant is predicted to result in the amino acid substitution p.Leu637Arg. To our knowledge, this variant has not been reported in the literature or population database, indicating this variant is rare. At this time, the clinical significance of this variant is uncertain due to the absence of conclusive functional and genetic evidence.